The following is an entry in ClinVar:

NM_001384474.1(LOXHD1):c.4095+1G>A

Gene: LOXHD1 (lipoxygenase homology PLAT domains 1; minus strand). Cytogenetic location: 18q21.1.
Variant type: single nucleotide variant.
Coding change: c.4095+1G>A on transcript NM_001384474.1 (MANE Select); the canonical splice donor site of the intron after coding-DNA position 4095, G replaced by A.
Molecular consequence: splice donor variant.
Genome position (GRCh38, 1-based): chr18:46,538,155, C>T on the plus strand (G>A on the coding strand, the complement: LOXHD1 is on the minus strand). VCF-style: chr18-46538155-C-T. GRCh37 (hg19) VCF-style: chr18-44118118-C-T.
Other names: c.762+1G>A (NM_001145472.3); c.474+1G>A (NM_001308013.2); c.4095+1G>A (NM_144612.7, NM_144612.6).
Identifiers: ClinVar variation 1067272 (VCV001067272.11), dbSNP rs1280052681, ClinGen allele CA402376662.

ClinVar aggregate classification (germline): Likely pathogenic. Review status: criteria provided, multiple submitters, no conflicts (2 of 4 stars). 2 submissions from 2 submitters: Likely pathogenic (2). Last evaluated 2025-08-13.

Conditions:
Autosomal recessive nonsyndromic hearing loss 77. Identifiers: Orphanet 90636, MedGen C2746083, MONDO:0013119, OMIM 613079.

Allele frequency attached by ClinVar (database versions not stated): TOPMed below 0.00001.

Submissions (2):

Natera, Inc.
Classification: Likely pathogenic for Autosomal recessive deafness type 77. Last evaluated: 2025-08-13. Review status: criteria provided, single submitter. Criteria: Natera Variant Classification Schema (03/2026). Collection method: clinical testing. Allele origin: germline.
Comment: The c.4095+1G>A variant in LOXHD1 is a canonical splice donor site variant predicted to affect pre-mRNA splicing, which may result in an abnormal transcript and altered protein product. This variant is expected to result in nonsense mediated decay, truncation, or a dysfunctional protein product. This variant is rare in the general population with a frequency below the threshold expected for the associated phenotype(s). Given the available evidence, this variant is classified as Likely Pathogenic.

Labcorp Genetics (formerly Invitae), Labcorp
Classification: Likely pathogenic. Last evaluated: 2023-07-30. Review status: criteria provided, single submitter. Criteria: Invitae Variant Classification Sherloc (09022015). Collection method: clinical testing. Allele origin: germline.
Comment: In summary, the currently available evidence indicates that the variant is pathogenic, but additional data are needed to prove that conclusively. Therefore, this variant has been classified as Likely Pathogenic. Algorithms developed to predict the effect of sequence changes on RNA splicing suggest that this variant may disrupt the consensus splice site. ClinVar contains an entry for this variant (Variation ID: 1067272). This variant has not been reported in the literature in individuals affected with LOXHD1-related conditions. This variant is not present in population databases (gnomAD no frequency). This sequence change affects a donor splice site in intron 26 of the LOXHD1 gene. It is expected to disrupt RNA splicing. Variants that disrupt the donor or acceptor splice site typically lead to a loss of protein function (PMID: 16199547), and loss-of-function variants in LOXHD1 are known to be pathogenic (PMID: 19732867, 21465660, 25792669).

Literature cited by the submitters: PubMed 16199547 (cited by Labcorp Genetics (formerly Invitae), Labcorp); PubMed 19732867 (cited by Labcorp Genetics (formerly Invitae), Labcorp); PubMed 21465660 (cited by Labcorp Genetics (formerly Invitae), Labcorp); PubMed 25792669 (cited by Labcorp Genetics (formerly Invitae), Labcorp).